The following is an entry in ClinVar:

NM_001048174.2(MUTYH):c.68A>G (p.Gln23Arg)

Gene: MUTYH (mutY DNA glycosylase; minus strand). Cytogenetic location: 1p34.1.
Variant type: single nucleotide variant.
Coding change: c.68A>G on transcript NM_001048174.2 (MANE Select); coding-DNA position 68, A replaced by G.
Protein change: p.Gln23Arg; replaces glutamine 23 with arginine.
Molecular consequence: missense variant. On other transcripts: 5 prime UTR variant (7), non-coding transcript variant (7).
Genome position (GRCh38, 1-based): chr1:45,334,438, T>C on the plus strand (A>G on the coding strand, the complement: MUTYH is on the minus strand). VCF-style: chr1-45334438-T-C. GRCh37 (hg19) VCF-style: chr1-45800110-T-C.
Other names: c.68A>G, p.Gln23Arg (NM_001048171.2, NM_001048172.2, NM_001048173.2 and 15 more transcripts); c.110A>G, p.Gln37Arg (NM_001128425.2, NM_001293190.2, NM_012222.3 and 2 more transcripts); c.-145A>G (NM_001293192.2, NM_001407091.1, NM_001293196.2); c.-140A>G (NM_001407082.1, NM_001350651.2); c.86A>G, p.Gln29Arg (NM_001407087.1); c.-204A>G (NM_001350650.2); c.-89A>G (NM_001407075.1); short protein forms Q23R, Q37R, Q29R.
Identifiers: ClinVar variation 4113023 (VCV004113023.1).

ClinVar aggregate classification (germline): Uncertain significance (1 of 4 stars; one submission).

Conditions:
Hereditary cancer-predisposing syndrome. Also called: Tumor predisposition; Neoplastic Syndromes, Hereditary; Hereditary neoplastic syndrome; Hereditary Cancer Syndrome. Identifiers: Orphanet 140162, MedGen C0027672, MeSH D009386, MONDO:0015356.

Submission:

Ambry Genetics
Classification: Uncertain significance for Hereditary cancer-predisposing syndrome. Last evaluated: 2025-08-27. Review status: criteria provided, single submitter. Criteria: Ambry Variant Classification Scheme 2023. Collection method: clinical testing. Allele origin: germline.
Comment: The p.Q37R variant (also known as c.110A>G), located in coding exon 2 of the MUTYH gene, results from an A to G substitution at nucleotide position 110. The glutamine at codon 37 is replaced by arginine, an amino acid with highly similar properties. This amino acid position is conserved. In addition, this alteration is predicted to be tolerated by in silico analysis. Based on the available evidence, the clinical significance of this variant remains unclear.